The following is an entry in ClinVar:

ClinVar aggregate classification (germline): Uncertain significance (1 of 4 stars; one submission).

Submission:

GeneDx
Classification: Uncertain significance. Last evaluated: 2019-04-22. Review status: criteria provided, single submitter. Criteria: GeneDx Variant Classification Process June 2021. Collection method: clinical testing. Allele origin: germline. Affected: yes.
Comment: Not observed in large population cohorts (Lek et al., 2016); In silico analysis, which includes protein predictors and evolutionary conservation, supports a deleterious effect; Identified in a patient with progressive external ophthalmoplegia, childhood onset headache, and later onset partial complex seizures in an abstract in the published literature, although it is unknown if this individual was screened for other genes associated with the phenotype (Rakocevic et al., 2013); A different missense change at this residue (N864S) has been reported in association with autosomal recessive mitochondrial neurogastrointestinal encephalomyopathy in the published literature (Van Goethem et al et al., 2003)

NM_002693.3(POLG):c.2590A>G (p.Asn864Asp)

Genes: POLG (DNA polymerase gamma, catalytic subunit; minus strand), POLGARF (POLG alternative reading frame; minus strand). Cytogenetic location: 15q26.1.
Variant type: single nucleotide variant.
Coding change: c.2590A>G on transcript NM_002693.3 (MANE Select); coding-DNA position 2590, A replaced by G.
Protein change: p.Asn864Asp; replaces asparagine 864 with aspartic acid.
Molecular consequence: missense variant.
Genome position (GRCh38, 1-based): chr15:89,321,744, T>C on the plus strand (A>G on the coding strand, the complement: POLG is on the minus strand). VCF-style: chr15-89321744-T-C. GRCh37 (hg19) VCF-style: chr15-89864975-T-C.
Other names: c.2590A>G, p.Asn864Asp (NM_001126131.2); short protein forms N864D.
Identifiers: ClinVar variation 1305388 (VCV001305388.2), dbSNP rs2152061663, ClinGen allele CA393754178.